The following is an entry in ClinVar:

ClinVar aggregate classification (germline): Uncertain significance (1 of 4 stars; one submission).

Conditions:
Immunodeficiency 39 (IMD39). Identifiers: Orphanet 574918, MedGen C4225358, MONDO:0014597, OMIM 616345.

Submission:

Labcorp Genetics (formerly Invitae), Labcorp
Classification: Uncertain significance for Immunodeficiency 39. Last evaluated: 2021-02-18. Review status: criteria provided, single submitter. Criteria: Invitae Variant Classification Sherloc (09022015). Collection method: clinical testing. Allele origin: germline.
Comment: In summary, the available evidence is currently insufficient to determine the role of this variant in disease. Therefore, it has been classified as a Variant of Uncertain Significance. Algorithms developed to predict the effect of missense changes on protein structure and function are either unavailable or do not agree on the potential impact of this missense change (SIFT: "Tolerated"; PolyPhen-2: "Probably Damaging"; Align-GVGD: "Class C0"). This variant has not been reported in the literature in individuals with IRF7-related conditions. This variant is not present in population databases (ExAC no frequency). This sequence change replaces asparagine with lysine at codon 124 of the IRF7 protein (p.Asn124Lys). The asparagine residue is highly conserved and there is a moderate physicochemical difference between asparagine and lysine.

NM_001572.5(IRF7):c.333C>G (p.Asn111Lys)

Gene: IRF7 (interferon regulatory factor 7; minus strand). Cytogenetic location: 11p15.5.
Variant type: single nucleotide variant.
Coding change: c.333C>G on transcript NM_001572.5 (MANE Select); coding-DNA position 333, C replaced by G.
Protein change: p.Asn111Lys; replaces asparagine 111 with lysine.
Molecular consequence: missense variant.
Genome position (GRCh38, 1-based): chr11:614,858, G>C on the plus strand (C>G on the coding strand, the complement: IRF7 is on the minus strand). VCF-style: chr11-614858-G-C. GRCh37 (hg19) VCF-style: chr11-614858-G-C.
Other names: c.333C>G, p.Asn111Lys (NM_004029.4); c.372C>G, p.Asn124Lys (NM_004031.4); short protein forms N124K, N111K.
Identifiers: ClinVar variation 1350801 (VCV001350801.8), dbSNP rs377666491, ClinGen allele CA378983027.